The following is an entry in ClinVar:

NM_001080516.2(GRXCR2):c.557A>G (p.Tyr186Cys)

Gene: GRXCR2 (glutaredoxin and cysteine rich domain containing 2; minus strand). Cytogenetic location: 5q32.
Variant type: single nucleotide variant.
Coding change: c.557A>G on transcript NM_001080516.2 (MANE Select); coding-DNA position 557, A replaced by G.
Protein change: p.Tyr186Cys; replaces tyrosine 186 with cysteine.
Molecular consequence: missense variant.
Genome position (GRCh38, 1-based): chr5:145,866,508, T>C on the plus strand (A>G on the coding strand, the complement: GRXCR2 is on the minus strand). VCF-style: chr5-145866508-T-C. GRCh37 (hg19) VCF-style: chr5-145246071-T-C.
Other names: short protein forms Y186C.
Identifiers: ClinVar variation 3026063 (VCV003026063.23), dbSNP rs761305184, ClinGen allele CA3487991.

ClinVar aggregate classification (germline): Uncertain significance. Review status: criteria provided, multiple submitters, no conflicts (2 of 4 stars). 2 submissions from 2 submitters: Uncertain significance (2). Last evaluated 2025-06-01.

Allele frequency attached by ClinVar (database versions not stated): ExAC 0.00003; gnomAD 0.00005; TOPMed 0.00006; gnomAD exomes 0.00015.
gnomAD v4.1: 228 of 1,612,478 alleles (0.014%); highest among the groups gnomAD compares: Non-Finnish European, 0.018%; no homozygotes.

Submissions (2):

Labcorp Genetics (formerly Invitae), Labcorp
Classification: Uncertain significance. Last evaluated: 2025-06-01. Review status: criteria provided, single submitter. Criteria: Invitae Variant Classification Sherloc (09022015). Collection method: clinical testing. Allele origin: germline.
Comment: This sequence change replaces tyrosine, which is neutral and polar, with cysteine, which is neutral and slightly polar, at codon 186 of the GRXCR2 protein (p.Tyr186Cys). This variant is present in population databases (rs761305184, gnomAD 0.007%). This variant has not been reported in the literature in individuals affected with GRXCR2-related conditions. ClinVar contains an entry for this variant (Variation ID: 3026063). An algorithm developed to predict the effect of missense changes on protein structure and function (PolyPhen-2) suggests that this variant is likely to be disruptive. In summary, the available evidence is currently insufficient to determine the role of this variant in disease. Therefore, it has been classified as a Variant of Uncertain Significance.

CeGaT Center for Human Genetics Tuebingen
Classification: Uncertain significance. Last evaluated: 2024-02-01. Review status: criteria provided, single submitter. Criteria: CeGaT Center For Human Genetics Tuebingen Variant Classification Criteria Version 2. Collection method: clinical testing. Allele origin: germline. Affected: yes. Observed: 1 variant allele.
Comment: GRXCR2: PM2, BP4